The following is an entry in ClinVar:

NM_001197104.2(KMT2A):c.2489G>T (p.Ser830Ile)

Gene: KMT2A (lysine methyltransferase 2A; plus strand). Cytogenetic location: 11q23.3.
Variant type: single nucleotide variant.
Coding change: c.2489G>T on transcript NM_001197104.2 (MANE Select); coding-DNA position 2489, G replaced by T.
Protein change: p.Ser830Ile; replaces serine 830 with isoleucine.
Molecular consequence: missense variant.
Genome position (GRCh38, 1-based): chr11:118,473,648, G>T. VCF-style: chr11-118473648-G-T. GRCh37 (hg19) VCF-style: chr11-118344363-G-T.
Other names: c.2588G>T, p.Ser863Ile (NM_001412597.1); c.2489G>T, p.Ser830Ile (NM_005933.4); short protein forms S830I, S863I.
Identifiers: ClinVar variation 2756639 (VCV002756639.3), dbSNP rs542341518, ClinGen allele CA382815658.
Genomic context (GRCh38, chr11:118,473,648, plus strand): 5'-CAGAGAAAAATCAGAGACCAAGGAAGCAGACTAGTGCTCCGGCAGAGCCATTTTCATCAA[G>T]TAGTCCTACTCCTCTCTTCCCTTGGTTTACCCCAGGCTCTCAGACTGAAAGAGGGAGAAA-3'
Protein context (NP_001184033.1, residues 820-840): TSAPAEPFSS[Ser830Ile]SPTPLFPWFT

ClinVar aggregate classification (germline): Uncertain significance (1 of 4 stars; one submission).

Submission:

Labcorp Genetics (formerly Invitae), Labcorp
Classification: Uncertain significance. Last evaluated: 2023-09-08. Review status: criteria provided, single submitter. Criteria: Invitae Variant Classification Sherloc (09022015). Collection method: clinical testing. Allele origin: germline.
Comment: In summary, the available evidence is currently insufficient to determine the role of this variant in disease. Therefore, it has been classified as a Variant of Uncertain Significance. Advanced modeling of protein sequence and biophysical properties (such as structural, functional, and spatial information, amino acid conservation, physicochemical variation, residue mobility, and thermodynamic stability) has been performed at Invitae for this missense variant, however the output from this modeling did not meet the statistical confidence thresholds required to predict the impact of this variant on KMT2A protein function. This variant has not been reported in the literature in individuals affected with KMT2A-related conditions. This variant is not present in population databases (gnomAD no frequency). This sequence change replaces serine, which is neutral and polar, with isoleucine, which is neutral and non-polar, at codon 830 of the KMT2A protein (p.Ser830Ile).